The following is an entry in ClinVar:

ClinVar aggregate classification (germline): Uncertain significance. Review status: criteria provided, multiple submitters, no conflicts (2 of 4 stars). 3 submissions from 3 submitters: Uncertain significance (3). Last evaluated 2025-12-08.

Conditions:
Cardiovascular phenotype. Identifiers: MedGen CN230736.
Long QT syndrome (LQTS). Identifiers: MedGen C0023976, MeSH D008133, MONDO:0002442. Disease mechanism: loss of function. Inheritance: Various modes of inheritance.

Allele frequency attached by ClinVar (database versions not stated): gnomAD 0.00001; TOPMed below 0.00001; ExAC 0.00001; gnomAD exomes below 0.00001.
gnomAD v4.1: 3 of 1,614,074 alleles (0.00019%); highest among the groups gnomAD compares: Non-Finnish European, 0.00025%; no homozygotes.

Submissions (3):

Labcorp Genetics (formerly Invitae), Labcorp
Classification: Uncertain significance for Long QT syndrome. Last evaluated: 2025-12-08. Review status: criteria provided, single submitter. Criteria: Invitae Variant Classification Sherloc (09022015). Collection method: clinical testing. Allele origin: germline.
Comment: This sequence change replaces glutamine, which is neutral and polar, with histidine, which is basic and polar, at codon 518 of the ANK2 protein (p.Gln518His). This variant is present in population databases (rs761779843, gnomAD 0.0009%). This variant has not been reported in the literature in individuals affected with ANK2-related conditions. ClinVar contains an entry for this variant (Variation ID: 190547). Invitae Evidence Modeling of protein sequence and biophysical properties (such as structural, functional, and spatial information, amino acid conservation, physicochemical variation, residue mobility, and thermodynamic stability) indicates that this missense variant is not expected to disrupt ANK2 protein function with a negative predictive value of 80%. In summary, the available evidence is currently insufficient to determine the role of this variant in disease. Therefore, it has been classified as a Variant of Uncertain Significance.

Ambry Genetics
Classification: Uncertain significance for Cardiovascular phenotype. Last evaluated: 2020-09-08. Review status: criteria provided, single submitter. Criteria: Ambry Variant Classification Scheme 2023. Collection method: clinical testing. Allele origin: germline.
Comment: The p.Q518H variant (also known as c.1554A>T), located in coding exon 15 of the ANK2 gene, results from an A to T substitution at nucleotide position 1554. The glutamine at codon 518 is replaced by histidine, an amino acid with highly similar properties. This amino acid position is highly conserved in available vertebrate species. In addition, the in silico prediction for this alteration is inconclusive. Since supporting evidence is limited at this time, the clinical significance of this alteration remains unclear.

GeneDx
Classification: Uncertain significance. Last evaluated: 2014-05-07. Review status: criteria provided, single submitter. Criteria: GeneDx Variant Classification (06012015). Collection method: clinical testing. Allele origin: germline. Affected: yes.
Comment: p.Gln518His (CAA>CAT): c.1554 A>T in exon 15 of the ANK2 gene (NM_001148.4). A variant of unknown significance has been identified in the ANK2 gene. The Q518H variant has not been published as a mutation, nor has it been reported as a benign polymorphism to our knowledge. The Q518H variant was not observed in approximately 6,500 individuals of European and African American ancestry in the NHLBI Exome Sequencing Project, indicating it is not a common benign variant in these populations. In silico analysis predicts this variant is probably damaging to the protein structure/function. The Q518H variant is a semi-conservative amino acid substitution, which may impact secondary protein structure as these residues differ in some properties. This substitution occurs at a position that is conserved across species. However, no missense mutations in nearby residues have been reported in association with arrhythmia. Therefore, based on the currently available information, it is unclear whether this variant is a pathogenic mutation or a rare benign variant. The variant is found in ARRHYTHMIA panel(s).

NM_001148.6(ANK2):c.1554A>T (p.Gln518His)

Gene: ANK2 (ankyrin 2; plus strand). Cytogenetic location: 4q26.
Variant type: single nucleotide variant.
Coding change: c.1554A>T on transcript NM_001148.6 (MANE Select); coding-DNA position 1554, A replaced by T.
Protein change: p.Gln518His; replaces glutamine 518 with histidine.
Molecular consequence: missense variant.
Genome position (GRCh38, 1-based): chr4:113,274,520, A>T. VCF-style: chr4-113274520-A-T. GRCh37 (hg19) VCF-style: chr4-114195676-A-T.
Other names: p.Q518H:CAA>CAT; c.1491A>T, p.Gln497His (NM_001127493.3, NM_001354252.2, NM_001354253.2 and 14 more transcripts); c.1554A>T, p.Gln518His (NM_001354225.2, NM_001354228.2, NM_001354232.2 and 8 more transcripts); c.1599A>T, p.Gln533His (NM_001354230.2, NM_001354231.2, NM_001386144.1 and 5 more transcripts); c.1467A>T, p.Gln489His (NM_001354260.2, NM_001354274.2, NM_001354276.2 and 13 more transcripts); c.1512A>T, p.Gln504His (NM_001354261.2, NM_001386160.1, NM_001386147.1); c.1356A>T, p.Gln452His (NM_001354273.2); c.1269A>T, p.Gln423His (NM_001354277.2, NM_001386158.1, NM_001386157.1); and 5 more; short protein forms Q497H, Q518H, Q423H, Q448H, Q489H, Q533H, Q452H, Q504H.
Identifiers: ClinVar variation 190547 (VCV000190547.6), dbSNP rs761779843, ClinGen allele CA300795.